The following is an entry in ClinVar:

ClinVar aggregate classification (germline): Uncertain significance (1 of 4 stars; one submission).

Allele frequency attached by ClinVar (database versions not stated): gnomAD 0.00001; TOPMed 0.00002.
gnomAD v4.1: 36 of 1,613,938 alleles (0.0022%); highest among the groups gnomAD compares: Middle Eastern, 0.016%; no homozygotes.

Submission:

Labcorp Genetics (formerly Invitae), Labcorp
Classification: Uncertain significance. Last evaluated: 2025-03-07. Review status: criteria provided, single submitter. Criteria: Invitae Variant Classification Sherloc (09022015). Collection method: clinical testing. Allele origin: germline.
Comment: This sequence change replaces arginine, which is basic and polar, with glutamine, which is neutral and polar, at codon 436 of the ANKZF1 protein (p.Arg436Gln). This variant is present in population databases (rs772861491, gnomAD 0.007%). This variant has not been reported in the literature in individuals affected with ANKZF1-related conditions. ClinVar contains an entry for this variant (Variation ID: 1497068). An algorithm developed to predict the effect of missense changes on protein structure and function outputs the following: PolyPhen-2: "Benign". The glutamine amino acid residue is found in multiple mammalian species, which suggests that this missense change does not adversely affect protein function. In summary, the available evidence is currently insufficient to determine the role of this variant in disease. Therefore, it has been classified as a Variant of Uncertain Significance.

NM_018089.3(ANKZF1):c.1307G>A (p.Arg436Gln)

Gene: ANKZF1 (ankyrin repeat and zinc finger peptidyl tRNA hydrolase 1; plus strand). Cytogenetic location: 2q35.
Variant type: single nucleotide variant.
Coding change: c.1307G>A on transcript NM_018089.3 (MANE Select); coding-DNA position 1307, G replaced by A.
Protein change: p.Arg436Gln; replaces arginine 436 with glutamine.
Molecular consequence: missense variant.
Genome position (GRCh38, 1-based): chr2:219,234,928, G>A. VCF-style: chr2-219234928-G-A. GRCh37 (hg19) VCF-style: chr2-220099650-G-A.
Other names: c.1307G>A, p.Arg436Gln (NM_001042410.2); c.677G>A, p.Arg226Gln (NM_001282792.2); short protein forms R436Q, R226Q.
Identifiers: ClinVar variation 1497068 (VCV001497068.6), dbSNP rs772861491, ClinGen allele CA2121037.